The following is an entry in ClinVar:

NM_001077365.2(POMT1):c.1194C>G (p.Pro398=)

Gene: POMT1 (protein O-mannosyltransferase 1; plus strand). Cytogenetic location: 9q34.13.
Variant type: single nucleotide variant.
Coding change: c.1194C>G on transcript NM_001077365.2 (MANE Select); coding-DNA position 1194, C replaced by G.
Protein change: p.Pro398=; no amino-acid change (proline 398 retained).
Molecular consequence: synonymous variant. On other transcripts: non-coding transcript variant (10).
Genome position (GRCh38, 1-based): chr9:131,515,444, C>G. VCF-style: chr9-131515444-C-G. GRCh37 (hg19) VCF-style: chr9-134390831-C-G.
Other names: c.1032C>G, p.Pro344= (NM_001077366.2, NM_001353194.2); c.1194C>G, p.Pro398= (NM_001136113.2, NM_001374690.1); c.843C>G, p.Pro281= (NM_001136114.2, NM_001353195.2, NM_001374691.1 and 2 more transcripts); c.1260C>G, p.Pro420= (NM_001353193.2, NM_007171.4); c.1104C>G, p.Pro368= (NM_001353196.2); c.1098C>G, p.Pro366= (NM_001353197.2, NM_001353198.2); c.909C>G, p.Pro303= (NM_001353199.2); c.738C>G, p.Pro246= (NM_001353200.2); and 2 more.
Identifiers: ClinVar variation 290304 (VCV000290304.13), dbSNP rs371653610, ClinGen allele CA5293578.

ClinVar aggregate classification (germline): Conflicting classifications of pathogenicity. Review status: criteria provided, conflicting classifications (1 of 4 stars). 3 submissions from 3 submitters: Uncertain significance (1); Likely benign (2). Last evaluated 2024-12-26.

Conditions:
Walker-Warburg congenital muscular dystrophy. Also called: Muscular dystrophy-dystroglycanopathy, type A; Walker-Warburg syndrome. Identifiers: Orphanet 899, MedGen C0265221, MONDO:0000171.
Muscular dystrophy-dystroglycanopathy (congenital with impaired intellectual development), type B, 1. Also called: Muscular dystrophy-dystroglycanopathy (congenital with intellectual disability), type B1; MUSCULAR DYSTROPHY, CONGENITAL, POMT1-RELATED. Identifiers: MedGen C5436962, MONDO:0013159, OMIM 613155.
Autosomal recessive limb-girdle muscular dystrophy type 2K. Also called: MUSCULAR DYSTROPHY-DYSTROGLYCANOPATHY (LIMB-GIRDLE), TYPE C, 1; MUSCULAR DYSTROPHY, LIMB-GIRDLE, TYPE 2K. Identifiers: Orphanet 86812, MedGen C1836373, MONDO:0012248, OMIM 609308.

Allele frequency attached by ClinVar (database versions not stated): TOPMed 0.00001.
gnomAD v4.1: 16 of 1,614,098 alleles (0.00099%); highest among the groups gnomAD compares: Admixed American, 0.0033%; no homozygotes.

Submissions (3):

Labcorp Genetics (formerly Invitae), Labcorp
Classification: Likely benign for Muscular dystrophy-dystroglycanopathy (congenital with impaired intellectual development), type B, 1; Walker-Warburg congenital muscular dystrophy; Autosomal recessive limb-girdle muscular dystrophy type 2K. Last evaluated: 2024-12-26. Review status: criteria provided, single submitter. Criteria: Invitae Variant Classification Sherloc (09022015). Collection method: clinical testing. Allele origin: germline.

Eurofins Ntd Llc (ga)
Classification: Uncertain significance. Last evaluated: 2016-09-17. Review status: criteria provided, single submitter. Criteria: EGL Classification Definitions 2015. Collection method: clinical testing. Allele origin: germline. Observed: 1 variant allele, 1 heterozygote.

GeneDx
Classification: Likely benign. Last evaluated: 2016-01-28. Review status: criteria provided, single submitter. Criteria: GeneDx Variant Classification (06012015). Collection method: clinical testing. Allele origin: germline. Affected: yes.
Comment: This variant is considered likely benign or benign based on one or more of the following criteria: it is a conservative change, it occurs at a poorly conserved position in the protein, it is predicted to be benign by multiple in silico algorithms, and/or has population frequency not consistent with disease.